The following is an entry in ClinVar:

ClinVar aggregate classification (germline): Benign. Review status: criteria provided, multiple submitters, no conflicts (2 of 4 stars). 9 submissions from 9 submitters: Benign (8). 1 of the submissions does not count toward it. Last evaluated 2026-02-01.

Conditions:
Primary ciliary dyskinesia. Also called: Ciliary dyskinesia. Identifiers: Orphanet 244, MedGen C0008780, MONDO:0016575, HP:0012265.
Primary ciliary dyskinesia 3. Identifiers: Orphanet 244, MedGen C1837618, MONDO:0012085, OMIM 608644.

Allele frequency attached by ClinVar (database versions not stated): 1000 Genomes Project 0.02296; 1000 Genomes Project 30x 0.02420; ESP Exome Variant Server 0.02445; gnomAD exomes 0.00189 and 0.00522; ExAC 0.00654; gnomAD 0.02009 and 0.02135; TOPMed 0.02193.
gnomAD v4.1: 5,971 of 1,614,076 alleles (0.37%); highest among the groups gnomAD compares: African/African-American, 6.9%; 192 homozygotes.

Submissions (9):

Labcorp Genetics (formerly Invitae), Labcorp
Classification: Benign for Primary ciliary dyskinesia. Last evaluated: 2026-02-01. Review status: criteria provided, single submitter. Criteria: Invitae Variant Classification Sherloc (09022015). Collection method: clinical testing. Allele origin: germline.

Mayo Clinic Laboratories, Mayo Clinic
Classification: Benign. Last evaluated: 2025-02-05. Review status: criteria provided, single submitter. Criteria: ACMG Guidelines, 2015. Collection method: clinical testing. Allele origin: germline. Observed: 1 variant allele.

GeneDx
Classification: Benign. Last evaluated: 2020-11-08. Review status: criteria provided, single submitter. Criteria: GeneDx Variant Classification Process June 2021. Collection method: clinical testing. Allele origin: germline. Affected: yes.

Illumina Laboratory Services, Illumina
Classification: Benign for Primary ciliary dyskinesia 3. Last evaluated: 2018-01-13. Review status: criteria provided, single submitter. Criteria: ICSL Variant Classification Criteria 13 December 2019. Collection method: clinical testing. Allele origin: germline.
Comment: This variant was observed in the ICSL laboratory as part of a predisposition screen in an ostensibly healthy population. It had not been previously curated by ICSL or reported in the Human Gene Mutation Database (HGMD: prior to June 1st, 2018), and was therefore a candidate for classification through an automated scoring system. Utilizing variant allele frequency, disease prevalence and penetrance estimates, and inheritance mode, an automated score was calculated to assess if this variant is too frequent to cause the disease. Based on the score and internal cut-off values, a variant classified as benign is not then subjected to further curation. The score for this variant resulted in a classification of benign for this disease.

Ambry Genetics
Classification: Benign for Primary ciliary dyskinesia. Last evaluated: 2014-09-10. Review status: criteria provided, single submitter. Criteria: Ambry Variant Classification Scheme 2023. Collection method: clinical testing. Allele origin: germline.

Laboratory for Molecular Medicine, Mass General Brigham Personalized Medicine
Classification: Benign. Last evaluated: 2013-02-21. Review status: criteria provided, single submitter. Criteria: LMM Criteria. Collection method: clinical testing. Allele origin: germline. Observed: 1 variant allele.
Comment: Ala4357Ala in exon 75 of DNAH5: This variant is not expected to have clinical si gnificance because it does not alter an amino acid residue and is not located wi thin the splice consensus sequence. It has been identified in 7.1% (315/4406) of African American chromosomes from a broad population by the NHLBI Exome Sequenc ing Project (dbSNP rs10077457).

Breakthrough Genomics
Classification: Benign. Review status: criteria provided, single submitter. Criteria: ACMG Guidelines, 2015. Collection method: not provided. Allele origin: germline. Inheritance: Autosomal recessive inheritance. Affected: yes.

PreventionGenetics, part of Exact Sciences
Classification: Benign. Review status: criteria provided, single submitter. Criteria: ACMG Guidelines, 2015. Collection method: clinical testing. Allele origin: germline.

Natera, Inc.
Classification: Benign for Primary ciliary dyskinesia. Last evaluated: 2020-09-16. Review status: no assertion criteria provided. Collection method: clinical testing. Allele origin: germline. Not counted in ClinVar's aggregate classification.

NM_001369.3(DNAH5):c.13071C>T (p.Ala4357=)

Gene: DNAH5 (dynein axonemal heavy chain 5; minus strand). Cytogenetic location: 5p15.2.
Variant type: single nucleotide variant.
Coding change: c.13071C>T on transcript NM_001369.3 (MANE Select); coding-DNA position 13071, C replaced by T.
Protein change: p.Ala4357=; no amino-acid change (alanine 4357 retained).
Molecular consequence: synonymous variant.
Genome position (GRCh38, 1-based): chr5:13,714,459, G>A on the plus strand (C>T on the coding strand, the complement: DNAH5 is on the minus strand). VCF-style: chr5-13714459-G-A. GRCh37 (hg19) VCF-style: chr5-13714568-G-A.
Other names: p.Ala4357=.
Identifiers: ClinVar variation 226593 (VCV000226593.26), dbSNP rs10077457, ClinGen allele CA3201459.
Genomic context (GRCh38, chr5:13,714,459, plus strand): 5'-ACTCACTTCAAAGGGGACATAGTCTGGGGGCAGCTTCTCCAGCATATCATCAGCCAGCCG[G>A]GCCACCACCGCCTCCCGGGTCTCATCCCCTCCACCAGAGGTGTCCTTGGGTTGGATGCCT-3'
Protein context (NP_001360.1, residues 4347-4367): GGDETREAVV[Ala4357=]RLADDMLEKL